The following is an entry in ClinVar:

NM_139318.5(KCNH5):c.932dup (p.Asn311fs)

Gene: KCNH5 (potassium voltage-gated channel subfamily H member 5; minus strand). Cytogenetic location: 14q23.2.
Variant type: Duplication.
Coding change: c.932dup on transcript NM_139318.5 (MANE Select); coding-DNA position 932, one base duplicated (A; older notation c.932dupA).
Protein change: p.Asn311fs; shifts the reading frame from asparagine 311.
Molecular consequence: frameshift variant.
Genome position (GRCh38, 1-based): chr14:62,980,882, T duplicated on the plus strand (A on the coding strand, the reverse complement: KCNH5 is on the minus strand); the first of 4 consecutive T bases (chr14:62,980,882-62,980,885); duplicating any one gives the same sequence. VCF-style (leftmost placement, unchanged base first): chr14-62980881-A-AT. GRCh37 (hg19) VCF-style: chr14-63447599-A-AT.
Other names: c.932dup, p.Asn311fs (NM_172375.3); c.932dupA (NM_139318.4); short protein forms N311fs.
Identifiers: ClinVar variation 575142 (VCV000575142.7), dbSNP rs1566729319, ClinGen allele CA891843734.
Genomic context (GRCh38, chr14:62,980,881, plus strand): 5'-TTTCAAAATATATGACCCACAGTACTCAGAAAACCAAAACGAAAAACTTACCTCATCCAC[A>AT]TTTTCAAAGGCATTGATGATGTCATAAGGTAAACAAGACAGCAGATCGATCACAAACCAA-3'

ClinVar aggregate classification (germline): Uncertain significance (1 of 4 stars; one submission).

Conditions:
Early-infantile DEE. Also called: Early infantile epileptic encephalopathy with suppression bursts; Early infantile epileptic encephalopathy; Ohtahara syndrome. Identifiers: Orphanet 1934, MedGen C0393706, MONDO:0800491.

Submission:

Labcorp Genetics (formerly Invitae), Labcorp
Classification: Uncertain significance for Early-infantile DEE. Last evaluated: 2018-05-13. Review status: criteria provided, single submitter. Criteria: Invitae Variant Classification Sherloc (09022015). Collection method: clinical testing. Allele origin: germline.
Comment: In summary, the available evidence is currently insufficient to determine the role of this variant in disease. Therefore, it has been classified as a Variant of Uncertain Significance. The current clinical and genetic evidence is not sufficient to establish whether loss-of-function variants in KCNH5 cause disease. This variant has not been reported in the literature in individuals with KCNH5-related disease. This variant is not present in population databases (ExAC no frequency). This sequence change creates a premature translational stop signal (p.Asn311Lysfs*4) in the KCNH5 gene. It is expected to result in an absent or disrupted protein product.